The following is an entry in ClinVar:

NM_020987.5(ANK3):c.11155C>T (p.Arg3719Cys)

Gene: ANK3 (ankyrin 3; minus strand). Cytogenetic location: 10q21.2.
Variant type: single nucleotide variant.
Coding change: c.11155C>T on transcript NM_020987.5 (MANE Select); coding-DNA position 11155, C replaced by T.
Protein change: p.Arg3719Cys; replaces arginine 3719 with cysteine.
Molecular consequence: missense variant. On other transcripts: intron variant (4).
Genome position (GRCh38, 1-based): chr10:60,069,726, G>A on the plus strand (C>T on the coding strand, the complement: ANK3 is on the minus strand). VCF-style: chr10-60069726-G-A. GRCh37 (hg19) VCF-style: chr10-61829484-G-A.
Other names: c.4388-1717C>T (NM_001204403.2); c.4409-1717C>T (NM_001204404.2); c.4406-1717C>T (NM_001320874.2); c.1808-1717C>T (NM_001149.4); short protein forms R3719C.
Identifiers: ClinVar variation 1033563 (VCV001033563.1), dbSNP rs532004139, ClinGen allele CA5511146.

ClinVar aggregate classification (germline): Uncertain significance (1 of 4 stars; one submission).

Conditions:
Intellectual developmental disorder, autosomal recessive 37. Also called: Intellectual disability-hypotonia-spasticity-sleep disorder syndrome. Identifiers: Orphanet 356996, MedGen C3809672, MONDO:0014210, OMIM 615493.

Allele frequency attached by ClinVar (database versions not stated): gnomAD 0.00002 and 0.00003; TOPMed 0.00002; 1000 Genomes Project 0.00020; ExAC 0.00001; gnomAD exomes 0.00001 and 0.00002; 1000 Genomes Project 30x 0.00016.
gnomAD v4.1: 17 of 1,613,580 alleles (0.0011%); highest among the groups gnomAD compares: East Asian, 0.0067%; no homozygotes.

Submission:

Baylor Genetics
Classification: Uncertain significance for Intellectual developmental disorder, autosomal recessive 37. Last evaluated: 2018-02-09. Review status: criteria provided, single submitter. Criteria: ACMG Guidelines, 2015. Collection method: clinical testing. Allele origin: paternal. Affected: yes.
Comment: This variant was determined to be of uncertain significance according to ACMG Guidelines, 2015 [PMID:25741868].